The following is an entry in ClinVar:

ClinVar aggregate classification (germline): Uncertain significance. Review status: criteria provided, multiple submitters, no conflicts (2 of 4 stars). 3 submissions from 3 submitters: Uncertain significance (3). Last evaluated 2026-02-25.

Conditions:
GSDME-related disorder. Also called: GSDME-related condition.

Allele frequency attached by ClinVar (database versions not stated): ExAC 0.00002; gnomAD 0.00002; gnomAD exomes 0.00002 and 0.00005; TOPMed 0.00005.

Submissions (3):

PreventionGenetics, part of Exact Sciences
Classification: Uncertain significance for GSDME-related condition. Last evaluated: 2026-02-25. Review status: criteria provided, single submitter. Criteria: ACMG Guidelines, 2015. Collection method: clinical testing. Allele origin: germline.
Comment: The GSDME c.1173_1174insC variant is predicted to result in a frameshift and premature protein termination (p.Ala392Argfs*8). To our knowledge, this variant has not been reported in the literature. While GSDME splicing variants have been reported in the literature in patients with hearing loss, to our knowledge, no premature termination variants in this gene have been conclusively determined to be pathogenic (Human Gene Mutation Database). This variant is reported in 0.035% of alleles in individuals of Latino descent in gnomAD. At this time, the clinical significance of this variant is uncertain due to the absence of conclusive functional and genetic evidence.

GeneDx
Classification: Uncertain significance. Last evaluated: 2026-01-23. Review status: criteria provided, single submitter. Criteria: GeneDx Variant Classification Process June 2021. Collection method: clinical testing. Allele origin: germline.
Comment: Frameshift variant predicted to result in protein truncation or nonsense mediated decay in a gene or region of a gene for which loss of function is not a well-established mechanism of disease; Has not been previously published as pathogenic or benign to our knowledge

Labcorp Genetics (formerly Invitae), Labcorp
Classification: Uncertain significance. Last evaluated: 2025-11-25. Review status: criteria provided, single submitter. Criteria: Invitae Variant Classification Sherloc (09022015). Collection method: clinical testing. Allele origin: germline.
Comment: This sequence change creates a premature translational stop signal (p.Ala392Argfs*8) in the DFNA5 gene. It is expected to result in an absent or disrupted protein product. However, the current clinical and genetic evidence is not sufficient to establish whether loss-of-function variants in DFNA5 cause disease. This variant is present in population databases (rs746597964, gnomAD 0.03%). This variant has not been reported in the literature in individuals affected with DFNA5-related conditions. ClinVar contains an entry for this variant (Variation ID: 1680825). In summary, the available evidence is currently insufficient to determine the role of this variant in disease. Therefore, it has been classified as a Variant of Uncertain Significance.

NM_001127453.2(GSDME):c.1173_1174insC (p.Ala392fs)

Gene: GSDME (gasdermin E; minus strand). Cytogenetic location: 7p15.3.
Variant type: Insertion.
Coding change: c.1173_1174insC on transcript NM_001127453.2 (MANE Select); coding-DNA positions 1173 to 1174, C inserted.
Protein change: p.Ala392fs; shifts the reading frame from alanine 392.
Molecular consequence: frameshift variant.
Genome position: GRCh38 VCF-style: chr7-24706193-C-CG. GRCh37 (hg19) VCF-style: chr7-24745812-C-CG.
Other names: c.681_682insC, p.Ala228fs (NM_001127454.2); c.1173_1174insC, p.Ala392fs (NM_004403.3); short protein forms A228fs, A392fs.
Identifiers: ClinVar variation 1680825 (VCV001680825.9), dbSNP rs746597964, ClinGen allele CA4191392.